The following is an entry in ClinVar:

ClinVar aggregate classification (germline): Uncertain significance (1 of 4 stars; one submission).

Allele frequency attached by ClinVar (database versions not stated): TOPMed below 0.00001; ExAC 0.00001; 1000 Genomes Project 30x 0.00016; 1000 Genomes Project 0.00020.

Submission:

Labcorp Genetics (formerly Invitae), Labcorp
Classification: Uncertain significance. Last evaluated: 2022-05-10. Review status: criteria provided, single submitter. Criteria: Invitae Variant Classification Sherloc (09022015). Collection method: clinical testing. Allele origin: germline.
Comment: This variant has not been reported in the literature in individuals affected with STT3A-related conditions. Algorithms developed to predict the effect of missense changes on protein structure and function are either unavailable or do not agree on the potential impact of this missense change (SIFT: "Deleterious"; PolyPhen-2: "Benign"; Align-GVGD: "Class C15"). In summary, the available evidence is currently insufficient to determine the role of this variant in disease. Therefore, it has been classified as a Variant of Uncertain Significance. This variant is present in population databases (rs576205252, gnomAD 0.003%). This sequence change replaces arginine, which is basic and polar, with cysteine, which is neutral and slightly polar, at codon 513 of the STT3A protein (p.Arg513Cys).

NM_152713.5(STT3A):c.1537C>T (p.Arg513Cys)

Gene: STT3A (STT3 oligosaccharyltransferase complex catalytic subunit A; plus strand). Cytogenetic location: 11q24.2.
Variant type: single nucleotide variant.
Coding change: c.1537C>T on transcript NM_152713.5 (MANE Select); coding-DNA position 1537, C replaced by T.
Protein change: p.Arg513Cys; replaces arginine 513 with cysteine.
Molecular consequence: missense variant.
Genome position (GRCh38, 1-based): chr11:125,613,160, C>T. VCF-style: chr11-125613160-C-T. GRCh37 (hg19) VCF-style: chr11-125483055-C-T.
Other names: c.1537C>T, p.Arg513Cys (NM_001278503.2); c.1261C>T, p.Arg421Cys (NM_001278504.2); short protein forms R513C, R421C.
Identifiers: ClinVar variation 2182220 (VCV002182220.4), dbSNP rs576205252, ClinGen allele CA6349084.